The following is an entry in ClinVar:

ClinVar aggregate classification (germline): Uncertain significance (1 of 4 stars; one submission).

Conditions:
Cystic fibrosis (CF). Also called: MUCOVISCIDOSIS. Identifiers: Orphanet 586, MedGen C0010674, MONDO:0009061, OMIM 219700. Disease mechanism: loss of function.

Submission:

Ambry Genetics
Classification: Uncertain significance for Cystic fibrosis. Last evaluated: 2026-09-04. Review status: criteria provided, single submitter. Criteria: Ambry Variant Classification Scheme 2023. Collection method: clinical testing. Allele origin: germline.
Comment: The p.A1364T variant (also known as c.4090G>A), located in coding exon 25 of the CFTR gene, results from a G to A substitution at nucleotide position 4090. The alanine at codon 1364 is replaced by threonine, an amino acid with similar properties. This amino acid position is conserved. In addition, this alteration is predicted to be deleterious by in silico analysis. Based on the available evidence, the clinical significance of this variant remains unclear.

NM_000492.4(CFTR):c.4090G>A (p.Ala1364Thr)

Gene: CFTR (CF transmembrane conductance regulator; plus strand). Cytogenetic location: 7q31.2.
Variant type: single nucleotide variant.
Coding change: c.4090G>A on transcript NM_000492.4 (MANE Select); coding-DNA position 4090, G replaced by A.
Protein change: p.Ala1364Thr; replaces alanine 1364 with threonine.
Molecular consequence: missense variant.
Genome position (GRCh38, 1-based): chr7:117,664,814, G>A. VCF-style: chr7-117664814-G-A. GRCh37 (hg19) VCF-style: chr7-117304868-G-A.
Other names: short protein forms A1364T.
Identifiers: ClinVar variation 5034486 (VCV005034486.1).